The following is an entry in ClinVar:

ClinVar aggregate classification (germline): Uncertain significance. Review status: criteria provided, multiple submitters, no conflicts (2 of 4 stars). 2 submissions from 2 submitters: Uncertain significance (2). Last evaluated 2025-05-14.

Conditions:
Cardiovascular phenotype. Identifiers: MedGen CN230736.

gnomAD v4.1: 1 of 1,449,586 alleles (0.000069%); highest among the groups gnomAD compares: East Asian, 0.0027%; no homozygotes.

Submissions (2):

Ambry Genetics
Classification: Uncertain significance for Cardiovascular phenotype. Last evaluated: 2025-05-14. Review status: criteria provided, single submitter. Criteria: Ambry Variant Classification Scheme 2023. Collection method: clinical testing. Allele origin: germline.
Comment: The p.T466S variant (also known as c.1396A>T), located in coding exon 22 of the TRDN gene, results from an A to T substitution at nucleotide position 1396. The threonine at codon 466 is replaced by serine, an amino acid with similar properties. This amino acid position is conserved. In addition, this alteration is predicted to be tolerated by in silico analysis. Based on the available evidence, the clinical significance of this variant remains unclear.

GeneDx
Classification: Uncertain significance. Last evaluated: 2024-12-09. Review status: criteria provided, single submitter. Criteria: GeneDx Variant Classification Process June 2021. Collection method: clinical testing. Allele origin: germline. Affected: yes.
Comment: Not observed at significant frequency in large population cohorts (gnomAD); In silico analysis indicates that this missense variant does not alter protein structure/function; Has not been previously published as pathogenic or benign to our knowledge

NM_006073.4(TRDN):c.1396A>T (p.Thr466Ser)

Gene: TRDN (triadin; minus strand). Cytogenetic location: 6q22.31.
Variant type: single nucleotide variant.
Coding change: c.1396A>T on transcript NM_006073.4 (MANE Select); coding-DNA position 1396, A replaced by T.
Protein change: p.Thr466Ser; replaces threonine 466 with serine.
Molecular consequence: missense variant.
Genome position (GRCh38, 1-based): chr6:123,337,643, T>A on the plus strand (A>T on the coding strand, the complement: TRDN is on the minus strand). VCF-style: chr6-123337643-T-A. GRCh37 (hg19) VCF-style: chr6-123658788-T-A.
Other names: c.1396A>T (NM_006073.2); short protein forms T466S.
Identifiers: ClinVar variation 3901381 (VCV003901381.2).